The following is an entry in ClinVar:

ClinVar aggregate classification (germline): Likely pathogenic (1 of 4 stars; one submission).

Allele frequency attached by ClinVar (database versions not stated): gnomAD exomes below 0.00001 and 0.00001; TOPMed 0.00001.
gnomAD v4.1: 7 of 1,614,032 alleles (0.00043%); highest among the groups gnomAD compares: Middle Eastern, 0.017%; no homozygotes.

Submission:

GeneDx
Classification: Likely pathogenic. Last evaluated: 2017-07-18. Review status: criteria provided, single submitter. Criteria: GeneDx Variant Classification (06012015). Collection method: clinical testing. Allele origin: germline. Affected: yes.
Comment: The W269X variant in the SPG7 gene has not been reported previously as a pathogenic variant nor as a benign variant, to our knowledge. This variant is predicted to cause loss of normal protein function either through protein truncation or nonsense-mediated mRNA decay. The W269X variant is not observed in large population cohorts (Lek et al., 2016; 1000 Genomes Consortium et al., 2015; Exome Variant Server). We interpret W269X as a likely pathogenic variant.

NM_003119.4(SPG7):c.806G>A (p.Trp269Ter)

Gene: SPG7 (SPG7 matrix AAA peptidase subunit, paraplegin; plus strand). Cytogenetic location: 16q24.3.
Variant type: single nucleotide variant.
Coding change: c.806G>A on transcript NM_003119.4 (MANE Select); coding-DNA position 806, G replaced by A.
Protein change: p.Trp269Ter; replaces tryptophan 269 with a stop codon.
Molecular consequence: nonsense.
Genome position (GRCh38, 1-based): chr16:89,529,524, G>A. VCF-style: chr16-89529524-G-A. GRCh37 (hg19) VCF-style: chr16-89595932-G-A.
Other names: c.806G>A, p.Trp269Ter (NM_001363850.1, NM_199367.3); short protein forms W269*.
Identifiers: ClinVar variation 450424 (VCV000450424.2), dbSNP rs1235945505, ClinGen allele CA397418716.